The following is an entry in ClinVar:

NM_001367624.2(ZNF469):c.2201G>A (p.Arg734Lys)

Gene: ZNF469 (zinc finger protein 469; plus strand). Cytogenetic location: 16q24.2.
Variant type: single nucleotide variant.
Coding change: c.2201G>A on transcript NM_001367624.2 (MANE Select); coding-DNA position 2201, G replaced by A.
Protein change: p.Arg734Lys; replaces arginine 734 with lysine.
Molecular consequence: missense variant.
Genome position (GRCh38, 1-based): chr16:88,429,671, G>A. VCF-style: chr16-88429671-G-A. GRCh37 (hg19) VCF-style: chr16-88496079-G-A.
Other names: NM_001127464.1:c.2201G>A; short protein forms R734K.
Identifiers: ClinVar variation 3476232 (VCV003476232.1).

ClinVar aggregate classification (germline): Uncertain significance (1 of 4 stars; one submission).

Conditions:
Cardiovascular phenotype. Identifiers: MedGen CN230736.

gnomAD v4.1: 12 of 1,542,554 alleles (0.00078%); highest among the groups gnomAD compares: East Asian, 0.017%; no homozygotes.

Submission:

Ambry Genetics
Classification: Uncertain significance for Cardiovascular phenotype. Last evaluated: 2024-10-08. Review status: criteria provided, single submitter. Criteria: Ambry Variant Classification Scheme 2023. Collection method: clinical testing. Allele origin: germline.
Comment: The p.R734K variant (also known as c.2201G>A), located in coding exon 1 of the ZNF469 gene, results from a G to A substitution at nucleotide position 2201. The arginine at codon 734 is replaced by lysine, an amino acid with highly similar properties. This amino acid position is conserved. In addition, this alteration is predicted to be tolerated by in silico analysis. Based on the available evidence, the clinical significance of this variant remains unclear.